The following is an entry in ClinVar:

ClinVar aggregate classification (germline): Uncertain significance (1 of 4 stars; one submission).

Conditions:
Mitochondrial DNA depletion syndrome 13. Also called: FBXL4-Related Encephalomyopathic Mitochondrial DNA Depletion Syndrome; Mitochondrial DNA depletion syndrome 13 (encephalomyopathic type). Identifiers: Orphanet 369897, MedGen C3809592, MONDO:0014198, OMIM 615471.

Allele frequency attached by ClinVar (database versions not stated): gnomAD exomes below 0.00001; ExAC 0.00001.
gnomAD v4.1: 3 of 1,614,122 alleles (0.00019%); highest among the groups gnomAD compares: South Asian, 0.0022%; no homozygotes.

Submission:

Wong Mito Lab, Molecular and Human Genetics, Baylor College of Medicine
Classification: Uncertain significance for Mitochondrial DNA depletion syndrome 13. Last evaluated: 2017-08-10. Review status: criteria provided, single submitter. Criteria: ACMG Guidelines, 2015. Collection method: reference population. Allele origin: germline.
Comment: The NM_012160.4:c.1526A>C (NP_036292.2:p.Glu509Ala) [GRCH38: NC_000006.12:g.98875591T>G] variant in FBXL4 gene is interpretated to be a Uncertain Significance - Insufficient Evidence based on ACMG guidelines (PMID: 25741868). This variant meets one or more of the following evidence codes reported in the ACMG-guideline. PM2:This variant is absent in key population databases. Based on this evidence code ClinGen Pathogenicity Calculator (PMID:28081714) suggested that the variant is Uncertain Significance - Insufficient Evidence.

NM_001278716.2(FBXL4):c.1526A>C (p.Glu509Ala)

Gene: FBXL4 (F-box and leucine rich repeat protein 4; minus strand). Cytogenetic location: 6q16.1.
Variant type: single nucleotide variant.
Coding change: c.1526A>C on transcript NM_001278716.2 (MANE Select); coding-DNA position 1526, A replaced by C.
Protein change: p.Glu509Ala; replaces glutamic acid 509 with alanine.
Molecular consequence: missense variant. On other transcripts: non-coding transcript variant (1).
Genome position (GRCh38, 1-based): chr6:98,875,591, T>G on the plus strand (A>C on the coding strand, the complement: FBXL4 is on the minus strand). VCF-style: chr6-98875591-T-G. GRCh37 (hg19) VCF-style: chr6-99323467-T-G.
Other names: c.1526A>C, p.Glu509Ala (NM_012160.5); short protein forms E509A.
Identifiers: ClinVar variation 437765 (VCV000437765.1), dbSNP rs759005691, ClinGen allele CA3933430.